The following is an entry in ClinVar:

ClinVar aggregate classification (germline): Uncertain significance (1 of 4 stars; one submission).

Conditions:
Perlman syndrome (PRLMNS). Identifiers: Orphanet 2849, MedGen C0796113, MONDO:0009965, OMIM 267000.

Submission:

Labcorp Genetics (formerly Invitae), Labcorp
Classification: Uncertain significance for Perlman syndrome. Last evaluated: 2023-07-15. Review status: criteria provided, single submitter. Criteria: Invitae Variant Classification Sherloc (09022015). Collection method: clinical testing. Allele origin: germline.
Comment: This sequence change replaces tyrosine, which is neutral and polar, with aspartic acid, which is acidic and polar, at codon 689 of the DIS3L2 protein (p.Tyr689Asp). This variant is not present in population databases (gnomAD no frequency). In summary, the available evidence is currently insufficient to determine the role of this variant in disease. Therefore, it has been classified as a Variant of Uncertain Significance. Advanced modeling of protein sequence and biophysical properties (such as structural, functional, and spatial information, amino acid conservation, physicochemical variation, residue mobility, and thermodynamic stability) performed at Invitae indicates that this missense variant is expected to disrupt DIS3L2 protein function. This variant has not been reported in the literature in individuals affected with DIS3L2-related conditions.

NM_152383.5(DIS3L2):c.2065T>G (p.Tyr689Asp)

Gene: DIS3L2 (DIS3 like 3'-5' exoribonuclease 2; plus strand). Cytogenetic location: 2q37.1.
Variant type: single nucleotide variant.
Coding change: c.2065T>G on transcript NM_152383.5 (MANE Select); coding-DNA position 2065, T replaced by G.
Protein change: p.Tyr689Asp; replaces tyrosine 689 with aspartic acid.
Molecular consequence: missense variant. On other transcripts: non-coding transcript variant (2), intron variant (1).
Genome position (GRCh38, 1-based): chr2:232,333,894, T>G. VCF-style: chr2-232333894-T-G. GRCh37 (hg19) VCF-style: chr2-233198604-T-G.
Other names: c.1582-9451T>G (NM_001257281.2); short protein forms Y689D.
Identifiers: ClinVar variation 2743408 (VCV002743408.3), dbSNP rs1060503039, ClinGen allele CA350977404.